The following is an entry in ClinVar:

ClinVar aggregate classification (germline): Benign/Likely benign. Review status: criteria provided, multiple submitters, no conflicts (2 of 4 stars). 6 submissions from 6 submitters: Benign (1); Likely benign (5). Last evaluated 2026-01-27.

Conditions:
Inborn genetic diseases. Identifiers: MedGen C0950123, MeSH D030342.
Joubert syndrome 21 (JBTS21). Identifiers: MedGen C3810212, MONDO:0014288, OMIM 615636.

Allele frequency attached by ClinVar (database versions not stated): gnomAD exomes 0.00026 and 0.00069; ExAC 0.00085; gnomAD 0.00284 and 0.00295; ESP Exome Variant Server 0.00292; TOPMed 0.00334; 1000 Genomes Project 0.00419; 1000 Genomes Project 30x 0.00437.
gnomAD v4.1: 830 of 1,613,510 alleles (0.051%); highest among the groups gnomAD compares: African/African-American, 0.91%; 5 homozygotes.

Submissions (6):

Labcorp Genetics (formerly Invitae), Labcorp
Classification: Benign for Joubert syndrome 21. Last evaluated: 2026-01-27. Review status: criteria provided, single submitter. Criteria: Invitae Variant Classification Sherloc (09022015). Collection method: clinical testing. Allele origin: germline.

Ambry Genetics
Classification: Likely benign for Inborn genetic diseases. Last evaluated: 2025-08-13. Review status: criteria provided, single submitter. Criteria: Ambry Variant Classification Scheme 2023. Collection method: clinical testing. Allele origin: germline.

Blueprint Genetics
Classification: Likely benign. Last evaluated: 2024-11-25. Review status: criteria provided, single submitter. Criteria: ACMG Guidelines, 2015. Collection method: clinical testing. Allele origin: germline.

CeGaT Center for Human Genetics Tuebingen
Classification: Likely benign. Last evaluated: 2022-08-01. Review status: criteria provided, single submitter. Criteria: CeGaT Center For Human Genetics Tuebingen Variant Classification Criteria Version 2. Collection method: clinical testing. Allele origin: germline. Affected: yes. Observed: 3 variant alleles.
Comment: CSPP1: BP4, BS2

GeneDx
Classification: Likely benign. Last evaluated: 2021-02-23. Review status: criteria provided, single submitter. Criteria: GeneDx Variant Classification Process June 2021. Collection method: clinical testing. Allele origin: germline. Affected: yes.

Breakthrough Genomics
Classification: Likely benign. Review status: criteria provided, single submitter. Criteria: ACMG Guidelines, 2015. Collection method: not provided. Allele origin: germline. Inheritance: Autosomal recessive inheritance. Affected: yes.

NM_001382391.1(CSPP1):c.1798C>G (p.Gln600Glu)

Gene: CSPP1 (centrosome and spindle pole associated protein 1; plus strand). Cytogenetic location: 8q13.2.
Variant type: single nucleotide variant.
Coding change: c.1798C>G on transcript NM_001382391.1 (MANE Select); coding-DNA position 1798, C replaced by G.
Protein change: p.Gln600Glu; replaces glutamine 600 with glutamic acid.
Molecular consequence: missense variant.
Genome position (GRCh38, 1-based): chr8:67,132,051, C>G. VCF-style: chr8-67132051-C-G. GRCh37 (hg19) VCF-style: chr8-68044286-C-G.
Other names: c.901C>G, p.Gln301Glu (NM_001291339.2); c.1717C>G, p.Gln573Glu (NM_001363131.2); c.1756C>G, p.Gln586Glu (NM_001363132.2); c.1675C>G, p.Gln559Glu (NM_001363133.2); c.1864C>G, p.Gln622Glu (NM_001364869.1); c.1684C>G, p.Gln562Glu (NM_001364870.1); c.1783C>G, p.Gln595Glu (NM_024790.7); short protein forms Q586E, Q301E, Q622E, Q559E, Q562E, Q573E, Q595E, Q600E.
Identifiers: ClinVar variation 681380 (VCV000681380.38), dbSNP rs73693125, ClinGen allele CA4770658.
Genomic context (GRCh38, chr8:67,132,051, plus strand): 5'-CAAGTGATAAATTCAGGATTGATTTTTGAAGATAAACCGAAACCTTCCAAACAGTCACTT[C>G]AGTCTTACCAAGAGGCTTTGCAGCAGCAGGTATTGATTCATTTACTCATTTACTGTTGAA-3'
Protein context (NP_001369320.1, residues 590-610): DKPKPSKQSL[Gln600Glu]SYQEALQQQI